The following is an entry in ClinVar:

ClinVar aggregate classification (germline): Uncertain significance (1 of 4 stars; one submission).

Submission:

Quest Diagnostics Nichols Institute San Juan Capistrano
Classification: Uncertain significance. Last evaluated: 2023-08-25. Review status: criteria provided, single submitter. Criteria: Quest Diagnostics criteria. Collection method: clinical testing. Allele origin: unknown.
Comment: To the best of our knowledge, this variant has not been reported in the published literature. It also has not been reported in large, multi-ethnic general populations (Genome Aggregation Database). Analysis of this variant using bioinformatics tools for the prediction of the effect of amino acid changes on protein structure and function yielded predictions that this variant is damaging. Based on the available information, we are unable to determine the clinical significance of this variant.

NM_002907.4(RECQL):c.376C>A (p.Pro126Thr)

Gene: RECQL (RecQ like helicase; minus strand). Cytogenetic location: 12p12.1.
Variant type: single nucleotide variant.
Coding change: c.376C>A on transcript NM_002907.4 (MANE Select); coding-DNA position 376, C replaced by A.
Protein change: p.Pro126Thr; replaces proline 126 with threonine.
Molecular consequence: missense variant.
Genome position (GRCh38, 1-based): chr12:21,490,217, G>T on the plus strand (C>A on the coding strand, the complement: RECQL is on the minus strand). VCF-style: chr12-21490217-G-T. GRCh37 (hg19) VCF-style: chr12-21643151-G-T.
Other names: c.376C>A, p.Pro126Thr (NM_032941.3); short protein forms P126T.
Identifiers: ClinVar variation 2682071 (VCV002682071.1), dbSNP rs376895551, ClinGen allele CA384132217.